The following is an entry in ClinVar:

ClinVar aggregate classification (germline): Uncertain significance (1 of 4 stars; one submission).

Conditions:
Inborn genetic diseases. Identifiers: MedGen C0950123, MeSH D030342.

gnomAD v4.1: 1 of 1,614,052 alleles (0.000062%); highest among the groups gnomAD compares: Non-Finnish European, 0.000085%; no homozygotes.

Submission:

Ambry Genetics
Classification: Uncertain significance for Inborn genetic diseases. Last evaluated: 2019-04-26. Review status: criteria provided, single submitter. Criteria: Ambry Variant Classification Scheme 2023. Collection method: clinical testing. Allele origin: germline.
Comment: The p.R884L variant (also known as c.2651G>T), located in coding exon 17 of the CNTNAP2 gene, results from a G to T substitution at nucleotide position 2651. The arginine at codon 884 is replaced by leucine, an amino acid with dissimilar properties. This amino acid position is highly conserved in available vertebrate species. In addition, this alteration is predicted to be deleterious by in silico analysis. Since supporting evidence is limited at this time, the clinical significance of this alteration remains unclear.

NM_014141.6(CNTNAP2):c.2651G>T (p.Arg884Leu)

Gene: CNTNAP2 (contactin associated protein 2; plus strand). Cytogenetic location: 7q35.
Variant type: single nucleotide variant.
Coding change: c.2651G>T on transcript NM_014141.6 (MANE Select); coding-DNA position 2651, G replaced by T.
Protein change: p.Arg884Leu; replaces arginine 884 with leucine.
Molecular consequence: missense variant.
Genome position (GRCh38, 1-based): chr7:148,147,587, G>T. VCF-style: chr7-148147587-G-T. GRCh37 (hg19) VCF-style: chr7-147844679-G-T.
Other names: short protein forms R884L.
Identifiers: ClinVar variation 1794335 (VCV001794335.2), dbSNP rs758630057, ClinGen allele CA369928033.